The following is an entry in ClinVar:

NM_001957.4(EDNRA):c.549-10T>C

Gene: EDNRA (endothelin receptor type A; plus strand). Cytogenetic location: 4q31.23.
Variant type: single nucleotide variant.
Coding change: c.549-10T>C on transcript NM_001957.4 (MANE Select); 10 bases into the intron before coding-DNA position 549, T replaced by C.
Molecular consequence: intron variant.
Genome position (GRCh38, 1-based): chr4:147,532,496, T>C. VCF-style: chr4-147532496-T-C. GRCh37 (hg19) VCF-style: chr4-148453648-T-C.
Other names: c.421-3381T>C (NM_001166055.2).
Identifiers: ClinVar variation 723006 (VCV000723006.13), dbSNP rs10305905, ClinGen allele CA3097915.

ClinVar aggregate classification (germline): Likely benign. Review status: criteria provided, multiple submitters, no conflicts (2 of 4 stars). 4 submissions from 4 submitters: Likely benign (3). 1 of the submissions does not count toward it. Last evaluated 2025-07-31.

Conditions:
Mandibulofacial dysostosis with alopecia (MFDA). Identifiers: Orphanet 443995, MedGen C4225349, MONDO:0014608, OMIM 616367.
Migraine with or without aura, susceptibility to, 1. Identifiers: MedGen C3887485, MONDO:0008000, OMIM 157300.
EDNRA-related disorder. Also called: EDNRA-related condition.

Allele frequency attached by ClinVar (database versions not stated): 1000 Genomes Project 30x 0.00016; 1000 Genomes Project 0.00020; ExAC 0.00037; gnomAD exomes 0.00042; gnomAD 0.00048; TOPMed 0.00049.
gnomAD v4.1: 1,358 of 1,610,404 alleles (0.084%); highest among the groups gnomAD compares: Non-Finnish European, 0.11%; 3 homozygotes.

Submissions (4):

Labcorp Genetics (formerly Invitae), Labcorp
Classification: Likely benign. Last evaluated: 2025-07-31. Review status: criteria provided, single submitter. Criteria: Invitae Variant Classification Sherloc (09022015). Collection method: clinical testing. Allele origin: germline.

Blueprint Genetics
Classification: Likely benign. Last evaluated: 2024-04-09. Review status: criteria provided, single submitter. Criteria: ACMG Guidelines, 2015. Collection method: clinical testing. Allele origin: germline.

Fulgent Genetics
Classification: Likely benign for Migraine with or without aura, susceptibility to, 1; Mandibulofacial dysostosis with alopecia. Last evaluated: 2021-07-30. Review status: criteria provided, single submitter. Criteria: ACMG Guidelines, 2015. Collection method: clinical testing. Allele origin: unknown.

PreventionGenetics, part of Exact Sciences
Classification: Likely benign for EDNRA-related condition. Last evaluated: 2019-08-12. Review status: no assertion criteria provided. Collection method: clinical testing. Allele origin: germline. Not counted in ClinVar's aggregate classification.
Comment: This variant is classified as likely benign based on ACMG/AMP sequence variant interpretation guidelines (Richards et al. 2015 PMID: 25741868, with internal and published modifications).